The following is an entry in ClinVar:

ClinVar aggregate classification (germline): Uncertain significance (1 of 4 stars; one submission).

gnomAD v4.1: 33 of 1,611,960 alleles (0.002%); highest among the groups gnomAD compares: Admixed American, 0.015%; no homozygotes.

Submission:

Dasa
Classification: Uncertain significance. Last evaluated: 2024-11-08. Review status: criteria provided, single submitter. Criteria: DASA Assertion Criteria. Collection method: clinical testing. Allele origin: germline.
Comment: NM_001080483.3(MYMK):c.517-5C>T is a splice-region variant. This variant has been observed in affected individuals with MYMK-related disorders. Also, this variant is rare in population databases. Computational prediction algorithms are consistent with a benign effect. The currently available literature and clinical evidence are not sufficient to establish a definitive association between this variant and the reported condition. Therefore, this variant is classified as a variant of uncertain significance.

NM_001080483.3(MYMK):c.517-5C>T

Gene: MYMK (myomaker, myoblast fusion factor; minus strand). Cytogenetic location: 9q34.2.
Variant type: single nucleotide variant.
Coding change: c.517-5C>T on transcript NM_001080483.3 (MANE Select); 5 bases into the intron before coding-DNA position 517, C replaced by T.
Molecular consequence: intron variant.
Genome position (GRCh38, 1-based): chr9:133,514,790, G>A on the plus strand (C>T on the coding strand, the complement: MYMK is on the minus strand). VCF-style: chr9-133514790-G-A. GRCh37 (hg19) VCF-style: chr9-136379912-G-A.
Identifiers: ClinVar variation 4881491 (VCV004881491.2).
Genomic context (GRCh38, chr9:133,514,790, plus strand): 5'-AAGGACATAGCCAGGGCACAGTGGTAGAAGCTGTGGACATAAGTGTAGTCCCAGTCCTGC[G>A]GGGGGCAAGCGGTCAGTCTGGGGCCTCAGCCCCCTCCCCGAGGCTCCTCCCTCTCCAAGA-3'